The following is an entry in ClinVar:

ClinVar aggregate classification (germline): Uncertain significance. Review status: criteria provided, single submitter (1 of 4 stars). 2 submissions from 2 submitters: Uncertain significance (1). 1 of the submissions does not count toward it. Last evaluated 2023-11-26.

Conditions:
Ornithine carbamoyltransferase deficiency (OTCD). Also called: ORNITHINE TRANSCARBAMYLASE DEFICIENCY, HYPERAMMONEMIA DUE TO; ORNITHINE TRANSCARBAMYLASE DEFICIENCY; OTC DEFICIENCY; Ornithine Carbamoyltransferase Deficiency Disease. Identifiers: Orphanet 664, MedGen C0268542, MONDO:0010703, OMIM 311250.

Submissions (2):

Revvity Omics, Revvity
Classification: Uncertain significance for Ornithine carbamoyltransferase deficiency. Last evaluated: 2023-11-26. Review status: criteria provided, single submitter. Criteria: ACMG Guidelines, 2015. Collection method: clinical testing. Allele origin: germline.

GenMed Metabolism Lab
Classification: Pathogenic. Review status: no assertion criteria provided. Collection method: not provided. Allele origin: unknown. Not counted in ClinVar's aggregate classification.
Comment: p.Ser164Pro, Neonatal
ClinVar note: Converted during submission from pathogenic to Pathogenic.

NM_000531.6(OTC):c.490T>C (p.Ser164Pro)

Gene: OTC (ornithine transcarbamylase; plus strand). Cytogenetic location: Xp11.4.
Variant type: single nucleotide variant.
Coding change: c.490T>C on transcript NM_000531.6 (MANE Select); coding-DNA position 490, T replaced by C.
Protein change: p.Ser164Pro; replaces serine 164 with proline.
Molecular consequence: missense variant.
Genome position (GRCh38, 1-based): chrX:38,401,378, T>C. VCF-style: chrX-38401378-T-C. GRCh37 (hg19) VCF-style: chrX-38260631-T-C.
Other names: short protein forms S164P.
Identifiers: ClinVar variation 97219 (VCV000097219.3), dbSNP rs72556273, ClinGen allele CA224640.